The following is an entry in ClinVar:

ClinVar aggregate classification (germline): Uncertain significance. Review status: criteria provided, multiple submitters, no conflicts (2 of 4 stars). 2 submissions from 2 submitters: Uncertain significance (2). Last evaluated 2024-06-04.

Conditions:
SCN3A-Related Neurodevelopmental Disorder. Identifiers: MedGen CN381054.

Allele frequency attached by ClinVar (database versions not stated): gnomAD 0.00001; gnomAD exomes 0.00001 and 0.00003; TOPMed 0.00002; ExAC 0.00007; ESP Exome Variant Server 0.00015.
gnomAD v4.1: 16 of 1,614,010 alleles (0.00099%); highest among the groups gnomAD compares: Admixed American, 0.0033%; no homozygotes.

Submissions (2):

Labcorp Genetics (formerly Invitae), Labcorp
Classification: Uncertain significance. Last evaluated: 2024-06-04. Review status: criteria provided, single submitter. Criteria: Invitae Variant Classification Sherloc (09022015). Collection method: clinical testing. Allele origin: germline.
Comment: This sequence change replaces glycine, which is neutral and non-polar, with tryptophan, which is neutral and slightly polar, at codon 642 of the SCN3A protein (p.Gly642Trp). This variant is present in population databases (rs112457070, gnomAD 0.005%). This variant has not been reported in the literature in individuals affected with SCN3A-related conditions. ClinVar contains an entry for this variant (Variation ID: 656022). Advanced modeling of protein sequence and biophysical properties (such as structural, functional, and spatial information, amino acid conservation, physicochemical variation, residue mobility, and thermodynamic stability) has been performed at Invitae for this missense variant, however the output from this modeling did not meet the statistical confidence thresholds required to predict the impact of this variant on SCN3A protein function. In summary, the available evidence is currently insufficient to determine the role of this variant in disease. Therefore, it has been classified as a Variant of Uncertain Significance.

Illumina Laboratory Services, Illumina
Classification: Uncertain significance for SCN3A-related neurodevelopmental disorder. Last evaluated: 2021-04-02. Review status: criteria provided, single submitter. Criteria: ICSLVariantClassificationCriteria RUGD 01 April 2020. Collection method: clinical testing. Allele origin: unknown.
Comment: The SCN3A c.1924G>T (p.Gly642Trp) variant is a missense variant. A literature search was performed for the gene, cDNA change, and amino acid change. No publications were identified through this search. The p.Gly642Trp variant is reported at a frequency of 0.000053 in the European (non-Finnish) population of the Genome Aggregation Database. In silico tools consistently predict that this variant will affect protein function, but these predictions have not been assessed experimentally. The p.Gly642Trp variant is not located in transmembrane segments four to six of domains II to IV where most pathogenic variants have tended to cluster (Zaman et al. 2020). Based on the limited evidence available, the p.Gly642Trp variant is classified as a variant of uncertain significance for SCN3A-related neurodevelopmental disorder.

Literature cited by the submitters: PubMed 32515017 (cited by Illumina Laboratory Services, Illumina).

NM_006922.4(SCN3A):c.1924G>T (p.Gly642Trp)

Gene: SCN3A (sodium voltage-gated channel alpha subunit 3; minus strand). Cytogenetic location: 2q24.3.
Variant type: single nucleotide variant.
Coding change: c.1924G>T on transcript NM_006922.4 (MANE Select); coding-DNA position 1924, G replaced by T.
Protein change: p.Gly642Trp; replaces glycine 642 with tryptophan.
Molecular consequence: missense variant. On other transcripts: intron variant (2).
Genome position (GRCh38, 1-based): chr2:165,140,746, C>A on the plus strand (G>T on the coding strand, the complement: SCN3A is on the minus strand). VCF-style: chr2-165140746-C-A. GRCh37 (hg19) VCF-style: chr2-165997256-C-A.
Other names: c.1872+52G>T (NM_001081676.2, NM_001081677.2); short protein forms G642W.
Identifiers: ClinVar variation 656022 (VCV000656022.14), dbSNP rs112457070, ClinGen allele CA1939064.